The following is an entry in ClinVar:

NM_006767.4(LZTR1):c.1176G>A (p.Ala392=)

Gene: LZTR1 (leucine zipper like post translational regulator 1; plus strand). Cytogenetic location: 22q11.21.
Variant type: single nucleotide variant.
Coding change: c.1176G>A on transcript NM_006767.4 (MANE Select); coding-DNA position 1176, G replaced by A.
Protein change: p.Ala392=; no amino-acid change (alanine 392 retained).
Molecular consequence: synonymous variant.
Genome position (GRCh38, 1-based): chr22:20,992,820, G>A. VCF-style: chr22-20992820-G-A. GRCh37 (hg19) VCF-style: chr22-21347109-G-A.
Identifiers: ClinVar variation 1501359 (VCV001501359.16), dbSNP rs750130648, ClinGen allele CA10118756.

ClinVar aggregate classification (germline): Likely benign. Review status: criteria provided, multiple submitters, no conflicts (2 of 4 stars). 5 submissions from 5 submitters: Likely benign (5). Last evaluated 2026-01-19.

Conditions:
LZTR1-related disorder. Also called: LZTR1-related disorders; LZTR1-related condition.
Hereditary cancer-predisposing syndrome. Also called: Hereditary neoplastic syndrome; Tumor predisposition; Hereditary Cancer Syndrome; Neoplastic Syndromes, Hereditary. Identifiers: Orphanet 140162, MedGen C0027672, MeSH D009386, MONDO:0015356.
Cardiovascular phenotype. Identifiers: MedGen CN230736.

Allele frequency attached by ClinVar (database versions not stated): gnomAD 0.00001; gnomAD exomes 0.00001; TOPMed 0.00003; ExAC 0.00005.
gnomAD v4.1: 13 of 1,605,744 alleles (0.00081%); highest among the groups gnomAD compares: Middle Eastern, 0.016%; no homozygotes.

Submissions (5):

Labcorp Genetics (formerly Invitae), Labcorp
Classification: Likely benign. Last evaluated: 2026-01-19. Review status: criteria provided, single submitter. Criteria: Invitae Variant Classification Sherloc (09022015). Collection method: clinical testing. Allele origin: germline.

CeGaT Center for Human Genetics Tuebingen
Classification: Likely benign. Last evaluated: 2025-10-01. Review status: criteria provided, single submitter. Criteria: CeGaT Center For Human Genetics Tuebingen Variant Classification Criteria Version 2. Collection method: clinical testing. Allele origin: germline. Affected: yes. Observed: 1 variant allele.
Comment: LZTR1: BP4, BP7

PreventionGenetics, part of Exact Sciences
Classification: Likely benign for LZTR1-related condition. Last evaluated: 2025-01-05. Review status: criteria provided, single submitter. Criteria: ACMG Guidelines, 2015. Collection method: clinical testing. Allele origin: germline.
Comment: This variant is classified as likely benign based on ACMG/AMP sequence variant interpretation guidelines (Richards et al. 2015 PMID: 25741868, with internal and published modifications).

Blueprint Genetics
Classification: Likely benign. Last evaluated: 2022-12-09. Review status: criteria provided, single submitter. Criteria: ACMG Guidelines, 2015. Collection method: clinical testing. Allele origin: germline.

Ambry Genetics
Classification: Likely benign for Cardiovascular phenotype; Hereditary cancer-predisposing syndrome. Last evaluated: 2020-11-23. Review status: criteria provided, single submitter. Criteria: Ambry Variant Classification Scheme 2023. Collection method: clinical testing. Allele origin: germline.